The following is an entry in ClinVar:

ClinVar aggregate classification (germline): Likely benign. Review status: criteria provided, multiple submitters, no conflicts (2 of 4 stars). 4 submissions from 4 submitters: Likely benign (4). Last evaluated 2026-01-12.

Conditions:
Familial hypocalciuric hypercalcemia (FHH). Also called: Familial benign hypercalcemia. Identifiers: Orphanet 405, MedGen C1809471, MONDO:0018458.
Autosomal dominant hypocalcemia 1 (HYPOC1). Also called: HYPOCALCEMIA, FAMILIAL. Identifiers: MedGen C3715128, MONDO:0011013, OMIM 601198.
Nephrolithiasis/nephrocalcinosis. Identifiers: MedGen CN580796.

Allele frequency attached by ClinVar (database versions not stated): gnomAD exomes below 0.00001 and 0.00002; ExAC 0.00002; gnomAD 0.00002; TOPMed 0.00002; ESP Exome Variant Server 0.00008.
gnomAD v4.1: 36 of 1,614,052 alleles (0.0022%); highest among the groups gnomAD compares: Non-Finnish European, 0.003%; no homozygotes.

Submissions (4):

Labcorp Genetics (formerly Invitae), Labcorp
Classification: Likely benign for Familial hypocalciuric hypercalcemia; Autosomal dominant hypocalcemia 1. Last evaluated: 2026-01-12. Review status: criteria provided, single submitter. Criteria: Invitae Variant Classification Sherloc (09022015). Collection method: clinical testing. Allele origin: germline.

CeGaT Center for Human Genetics Tuebingen
Classification: Likely benign. Last evaluated: 2024-12-01. Review status: criteria provided, single submitter. Criteria: CeGaT Center For Human Genetics Tuebingen Variant Classification Criteria Version 2. Collection method: clinical testing. Allele origin: germline. Affected: yes. Observed: 1 variant allele.
Comment: CASR: BP4

Blueprint Genetics
Classification: Likely benign. Last evaluated: 2024-07-17. Review status: criteria provided, single submitter. Criteria: ACMG Guidelines, 2015. Collection method: clinical testing. Allele origin: germline.

Ambry Genetics
Classification: Likely benign for Nephrolithiasis/nephrocalcinosis. Last evaluated: 2021-01-05. Review status: criteria provided, single submitter. Criteria: Ambry Variant Classification Scheme 2023. Collection method: clinical testing. Allele origin: germline.

NM_000388.4(CASR):c.2145C>T (p.His715=)

Gene: CASR (calcium sensing receptor; plus strand). Cytogenetic location: 3q21.1.
Variant type: single nucleotide variant.
Coding change: c.2145C>T on transcript NM_000388.4 (MANE Select); coding-DNA position 2145, C replaced by T.
Protein change: p.His715=; no amino-acid change (histidine 715 retained).
Molecular consequence: synonymous variant.
Genome position (GRCh38, 1-based): chr3:122,284,099, C>T. VCF-style: chr3-122284099-C-T. GRCh37 (hg19) VCF-style: chr3-122002946-C-T.
Other names: c.2175C>T, p.His725= (NM_001178065.2).
Identifiers: ClinVar variation 532643 (VCV000532643.28), dbSNP rs201242061, ClinGen allele CA2569785.